The following is an entry in ClinVar:

NM_014712.3(SETD1A):c.4484G>A (p.Arg1495His)

Gene: SETD1A (SET domain containing 1A, histone lysine methyltransferase; plus strand). Cytogenetic location: 16p11.2.
Variant type: single nucleotide variant.
Coding change: c.4484G>A on transcript NM_014712.3 (MANE Select); coding-DNA position 4484, G replaced by A.
Protein change: p.Arg1495His; replaces arginine 1495 with histidine.
Molecular consequence: missense variant.
Genome position (GRCh38, 1-based): chr16:30,980,560, G>A. VCF-style: chr16-30980560-G-A. GRCh37 (hg19) VCF-style: chr16-30991881-G-A.
Other names: short protein forms R1495H.
Identifiers: ClinVar variation 3342435 (VCV003342435.3).

ClinVar aggregate classification (germline): Conflicting classifications of pathogenicity. Review status: criteria provided, conflicting classifications (1 of 4 stars). 2 submissions from 2 submitters: Likely pathogenic (1); Uncertain significance (1). Last evaluated 2026-07-24.

Submissions (2):

GeneDx
Classification: Likely pathogenic. Last evaluated: 2026-07-24. Review status: criteria provided, single submitter. Criteria: GeneDx Variant Classification Process June 2021. Collection method: clinical testing. Allele origin: germline.
Comment: Not observed at significant frequency in large population cohorts (gnomAD); In silico analysis supports that this missense variant has a deleterious effect on protein structure/function; Has not been previously published as pathogenic or benign to our knowledge

Blueprint Genetics
Classification: Uncertain significance. Last evaluated: 2023-09-07. Review status: criteria provided, single submitter. Criteria: ACMG Guidelines, 2015. Collection method: clinical testing. Allele origin: germline.